The following is an entry in ClinVar:

ClinVar aggregate classification (germline): Uncertain significance. Review status: criteria provided, multiple submitters, no conflicts (2 of 4 stars). 2 submissions from 2 submitters: Uncertain significance (2). Last evaluated 2024-05-17.

Conditions:
Autosomal dominant nocturnal frontal lobe epilepsy 5. Also called: KCNT1-Related Epilepsy; CILIARY DYSKINESIA, PRIMARY, 28, WITHOUT SITUS INVERSUS; CILIARY DYSKINESIA, PRIMARY, 28, WITH SITUS INVERSUS; Epilepsy, nocturnal frontal lobe, 5. Identifiers: Orphanet 98784, MedGen C3554306, MONDO:0014002, OMIM 615005.
Developmental and epileptic encephalopathy, 14 (DEE14). Also called: Early infantile epileptic encephalopathy 14. Identifiers: Orphanet 293181, MedGen C3554195, MONDO:0013989, OMIM 614959.

Allele frequency attached by ClinVar (database versions not stated): gnomAD exomes below 0.00001; gnomAD 0.00001; TOPMed 0.00001.
gnomAD v4.1: 3 of 1,298,796 alleles (0.00023%); highest among the groups gnomAD compares: Non-Finnish European, 0.0003%; no homozygotes.

Submissions (2):

Labcorp Genetics (formerly Invitae), Labcorp
Classification: Uncertain significance for Autosomal dominant nocturnal frontal lobe epilepsy 5; Developmental and epileptic encephalopathy, 14. Last evaluated: 2024-05-17. Review status: criteria provided, single submitter. Criteria: Invitae Variant Classification Sherloc (09022015). Collection method: clinical testing. Allele origin: germline.
Comment: This sequence change affects an acceptor splice site in intron 1 of the KCNT1 gene. It is expected to disrupt RNA splicing. Variants that disrupt the donor or acceptor splice site typically lead to a loss of protein function (PMID: 16199547), however the current clinical and genetic evidence is not sufficient to establish whether loss-of-function variants in KCNT1 cause disease. This variant is present in population databases (no rsID available, gnomAD 0.007%). This variant has not been reported in the literature in individuals affected with KCNT1-related conditions. ClinVar contains an entry for this variant (Variation ID: 930854). Algorithms developed to predict the effect of sequence changes on RNA splicing suggest that this variant may disrupt the consensus splice site. In summary, the available evidence is currently insufficient to determine the role of this variant in disease. Therefore, it has been classified as a Variant of Uncertain Significance.

Centre for Mendelian Genomics, University Medical Centre Ljubljana
Classification: Uncertain significance for Autosomal dominant nocturnal frontal lobe epilepsy 5. Last evaluated: 2019-12-04. Review status: criteria provided, single submitter. Criteria: ACMG Guidelines, 2015. Collection method: clinical testing. Allele origin: unknown. Affected: yes.
Comment: This variant was classified as: Uncertain significance. The available evidence on this variant's pathogenicity is insufficient or conflicting. The following ACMG criteria were applied in classifying this variant: PM2.

Literature cited by the submitters: PubMed 16199547 (cited by Labcorp Genetics (formerly Invitae), Labcorp).

NM_020822.3(KCNT1):c.111-2A>T

Gene: KCNT1 (potassium sodium-activated channel subfamily T member 1; plus strand). Cytogenetic location: 9q34.3.
Variant type: single nucleotide variant.
Coding change: c.111-2A>T on transcript NM_020822.3 (MANE Select); the canonical splice acceptor site of the intron before coding-DNA position 111, A replaced by T.
Molecular consequence: splice acceptor variant. On other transcripts: intron variant (1).
Genome position (GRCh38, 1-based): chr9:135,714,575, A>T. VCF-style: chr9-135714575-A-T. GRCh37 (hg19) VCF-style: chr9-138606421-A-T.
Other names: c.110+12207A>T (NM_001272003.2).
Identifiers: ClinVar variation 930854 (VCV000930854.5), dbSNP rs1382443844, ClinGen allele CA375493179.